The following is an entry in ClinVar:

ClinVar aggregate classification (germline): Uncertain significance. Review status: criteria provided, multiple submitters, no conflicts (2 of 4 stars). 3 submissions from 3 submitters: Uncertain significance (3). Last evaluated 2025-02-08.

Conditions:
AFib amyloidosis. Identifiers: Orphanet 93562, MedGen C5680267, MONDO:0019733.
Inborn genetic diseases. Identifiers: MedGen C0950123, MeSH D030342.
FGA-related disorder. Also called: FGA-related condition; FGA-related disorders.

Allele frequency attached by ClinVar (database versions not stated): ExAC 0.00002; TOPMed 0.00001; gnomAD 0.00001; gnomAD exomes 0.00001 and 0.00002.
gnomAD v4.1: 15 of 1,613,992 alleles (0.00093%); highest among the groups gnomAD compares: Admixed American, 0.0033%; no homozygotes.

Submissions (3):

Ambry Genetics
Classification: Uncertain significance for Inborn genetic diseases. Last evaluated: 2025-02-08. Review status: criteria provided, single submitter. Criteria: Ambry Variant Classification Scheme 2023. Collection method: clinical testing. Allele origin: germline.

PreventionGenetics, part of Exact Sciences
Classification: Uncertain significance for FGA-related condition. Last evaluated: 2023-05-19. Review status: criteria provided, single submitter. Criteria: ACMG Guidelines, 2015. Collection method: clinical testing. Allele origin: germline.
Comment: The FGA c.2089G>A variant is predicted to result in the amino acid substitution p.Gly697Ser. To our knowledge, this variant has not been reported in the literature. This variant is reported in 0.0056% of alleles in individuals of Latino descent in gnomAD. At this time, the clinical significance of this variant is uncertain due to the absence of conclusive functional and genetic evidence.

Center of Genomic medicine, Geneva, University Hospital of Geneva
Classification: Uncertain significance for AFib amyloidosis. Last evaluated: 2017-12-14. Review status: criteria provided, single submitter. Criteria: ACMG Guidelines, 2015. Collection method: clinical testing. Allele origin: germline. Affected: yes.

NM_000508.5(FGA):c.2089G>A (p.Gly697Ser)

Gene: FGA (fibrinogen alpha chain; minus strand). Cytogenetic location: 4q31.3.
Variant type: single nucleotide variant.
Coding change: c.2089G>A on transcript NM_000508.5; coding-DNA position 2089, G replaced by A.
Protein change: p.Gly697Ser; replaces glycine 697 with serine.
Molecular consequence: missense variant.
Genome position (GRCh38, 1-based): chr4:154,584,636, C>T on the plus strand (G>A on the coding strand, the complement: FGA is on the minus strand). VCF-style: chr4-154584636-C-T. GRCh37 (hg19) VCF-style: chr4-155505788-C-T.
Other names: short protein forms G697S.
Identifiers: ClinVar variation 523628 (VCV000523628.7), dbSNP rs771023837, ClinGen allele CA3114940.
Genomic context (GRCh38, chr4:154,584,636, plus strand): 5'-GTAAGTGGAGGTAGTCATTGCCTAGCCAGAATTCTCCTTCCCCCTCGTCATTCAGGCTGC[C>T]GAAACCTCTCTTGTAGTCTTGCCAGGTCCGGTTAAAATTCAGTGATCCATCCATTCTTTG-3'